The following is an entry in ClinVar:

ClinVar aggregate classification (germline): Uncertain significance. Review status: criteria provided, multiple submitters, no conflicts (2 of 4 stars). 3 submissions from 3 submitters: Uncertain significance (2). 1 of the submissions does not count toward it. Last evaluated 2024-02-03.

Conditions:
Familial dysautonomia. Also called: HSAN III; FD. Identifiers: Orphanet 1764, MedGen C0013364, MONDO:0009131, OMIM 223900. Disease mechanism: loss of function.
Medulloblastoma (MDB). Also called: MEDULLOBLASTOMA PREDISPOSITION SYNDROME; Medulloblastoma, somatic. Identifiers: Orphanet 616, MedGen C0025149, MeSH D008527, MONDO:0007959, OMIM 155255, HP:0002885.

Allele frequency attached by ClinVar (database versions not stated): gnomAD exomes below 0.00001; TOPMed below 0.00001.
gnomAD v4.1: 2 of 1,614,156 alleles (0.00012%); highest among the groups gnomAD compares: Non-Finnish European, 0.00017%; no homozygotes.

Submissions (3):

Fulgent Genetics
Classification: Uncertain significance for Medulloblastoma; Familial dysautonomia. Last evaluated: 2024-02-03. Review status: criteria provided, single submitter. Criteria: ACMG Guidelines, 2015. Collection method: clinical testing. Allele origin: germline.

Labcorp Genetics (formerly Invitae), Labcorp
Classification: Uncertain significance. Last evaluated: 2021-08-30. Review status: criteria provided, single submitter. Criteria: Invitae Variant Classification Sherloc (09022015). Collection method: clinical testing. Allele origin: germline.
Comment: This sequence change replaces alanine with valine at codon 1021 of the ELP1 protein (p.Ala1021Val). The alanine residue is highly conserved and there is a small physicochemical difference between alanine and valine. This variant is not present in population databases (ExAC no frequency). This variant has not been reported in the literature in individuals affected with ELP1-related conditions. Algorithms developed to predict the effect of missense changes on protein structure and function are either unavailable or do not agree on the potential impact of this missense change (SIFT: "Deleterious"; PolyPhen-2: "Possibly Damaging"; Align-GVGD: "Class C0"). In summary, the available evidence is currently insufficient to determine the role of this variant in disease. Therefore, it has been classified as a Variant of Uncertain Significance.

Natera, Inc.
Classification: Uncertain significance for Familial dysautonomia. Last evaluated: 2020-11-11. Review status: no assertion criteria provided. Collection method: clinical testing. Allele origin: germline. Not counted in ClinVar's aggregate classification.

NM_003640.5(ELP1):c.3062C>T (p.Ala1021Val)

Gene: ELP1 (elongator acetyltransferase complex subunit 1; minus strand). Cytogenetic location: 9q31.3.
Variant type: single nucleotide variant.
Coding change: c.3062C>T on transcript NM_003640.5 (MANE Select); coding-DNA position 3062, C replaced by T.
Protein change: p.Ala1021Val; replaces alanine 1021 with valine.
Molecular consequence: missense variant.
Genome position (GRCh38, 1-based): chr9:108,891,301, G>A on the plus strand (C>T on the coding strand, the complement: ELP1 is on the minus strand). VCF-style: chr9-108891301-G-A. GRCh37 (hg19) VCF-style: chr9-111653581-G-A.
Other names: c.2720C>T, p.Ala907Val (NM_001318360.2); c.2015C>T, p.Ala672Val (NM_001330749.2); short protein forms A907V, A1021V, A672V.
Identifiers: ClinVar variation 845927 (VCV000845927.9), dbSNP rs1226103389, ClinGen allele CA374416838.